The following is an entry in ClinVar:

NM_000271.5(NPC1):c.1836A>C (p.Glu612Asp)

Gene: NPC1 (NPC intracellular cholesterol transporter 1; minus strand). Cytogenetic location: 18q11.2.
Variant type: single nucleotide variant.
Coding change: c.1836A>C on transcript NM_000271.5 (MANE Select); coding-DNA position 1836, A replaced by C.
Protein change: p.Glu612Asp; replaces glutamic acid 612 with aspartic acid.
Molecular consequence: missense variant.
Genome position (GRCh38, 1-based): chr18:23,545,071, T>G on the plus strand (A>C on the coding strand, the complement: NPC1 is on the minus strand). VCF-style: chr18-23545071-T-G. GRCh37 (hg19) VCF-style: chr18-21125035-T-G.
Other names: short protein forms E612D.
Identifiers: ClinVar variation 555407 (VCV000555407.6), dbSNP rs1555634739, ClinGen allele CA401772950.

ClinVar aggregate classification (germline): Pathogenic/Likely pathogenic. Review status: criteria provided, multiple submitters, no conflicts (2 of 4 stars). 3 submissions from 3 submitters: Pathogenic (1); Likely pathogenic (1). 1 of the submissions does not count toward it. Last evaluated 2025-12-04.

Conditions:
Niemann-Pick disease, type C1. Also called: NIEMANN-PICK DISEASE, VARIANT TYPE C1; NEUROVISCERAL STORAGE DISEASE WITH VERTICAL SUPRANUCLEAR OPHTHALMOPLEGIA; NIEMANN-PICK DISEASE WITH CHOLESTEROL ESTERIFICATION BLOCK; NIEMANN-PICK DISEASE WITHOUT SPHINGOMYELINASE DEFICIENCY; NIEMANN-PICK DISEASE, CHRONIC NEURONOPATHIC FORM. Identifiers: Orphanet 646, MedGen C3179455, MONDO:0009757, OMIM 257220.

Allele frequency attached by ClinVar (database versions not stated): gnomAD exomes below 0.00001.

Submissions (3):

Labcorp Genetics (formerly Invitae), Labcorp
Classification: Pathogenic for Niemann-Pick disease, type C1. Last evaluated: 2025-12-04. Review status: criteria provided, single submitter. Criteria: Invitae Variant Classification Sherloc (09022015). Collection method: clinical testing. Allele origin: germline.
Comment: This sequence change replaces glutamic acid, which is acidic and polar, with aspartic acid, which is acidic and polar, at codon 612 of the NPC1 protein (p.Glu612Asp). This variant is not present in population databases (gnomAD no frequency). This missense change has been observed in individual(s) with Niemann-Pick type C (PMID: 11349231, 32138288). ClinVar contains an entry for this variant (Variation ID: 555407). Invitae Evidence Modeling of protein sequence and biophysical properties (such as structural, functional, and spatial information, amino acid conservation, physicochemical variation, residue mobility, and thermodynamic stability) indicates that this missense variant is expected to disrupt NPC1 protein function with a positive predictive value of 95%. For these reasons, this variant has been classified as Pathogenic.

Natera, Inc.
Classification: Likely pathogenic for Niemann-Pick disease type C1. Last evaluated: 2025-08-08. Review status: criteria provided, single submitter. Criteria: Natera Variant Classification Schema (03/2026). Collection method: clinical testing. Allele origin: germline.
Comment: The c.1836A>C variant in NPC1 is a missense variant predicted to cause substitution of glutamic acid to aspartic acid at amino acid 612. This variant is rare in the general population with a frequency below the threshold expected for the associated phenotype(s). This variant has been observed in one or more individuals affected with the associated recessive disease, as either homozygous or compound heterozygous with a second variant (PMID: 32138288, 19744920, 11349231). Computational prediction algorithms indicate this variant is likely to affect gene or protein function. Given the available evidence, this variant is classified as Likely Pathogenic.

Counsyl
Classification: Uncertain significance for Niemann-Pick disease, type C1. Last evaluated: 2017-12-04. Review status: no assertion criteria provided. Collection method: clinical testing. Allele origin: unknown. Not counted in ClinVar's aggregate classification.

Literature cited by the submitters: PubMed 11349231 (cited by 3 submitters); PubMed 32138288 (cited by Labcorp Genetics (formerly Invitae), Labcorp and Natera, Inc.); PubMed 19744920 (cited by Natera, Inc. and Counsyl); PubMed 28193631 (cited by Counsyl).